The following is an entry in ClinVar:

ClinVar aggregate classification (germline): Likely pathogenic (1 of 4 stars; one submission).

Conditions:
Brunner syndrome (BRNRS). Identifiers: Orphanet 3057, MedGen C0796275, MONDO:0010379, OMIM 300615.

Submission:

New York Genome Center
Classification: Likely pathogenic for Brunner syndrome. Last evaluated: 2019-07-17. Review status: criteria provided, single submitter. Criteria: NYGC Assertion Criteria 2020. Collection method: clinical testing. Allele origin: inherited. Affected: yes. Observed: 1 hemizygote. Study: CSER-NYCKidSeq.
Comment: The c.233dup (p.Leu78PhefsTer5) variant identified in the MAOA gene is a duplication of a single nucleotide resulting in a frameshift of the protein at amino acid 78/528 (coding exon 3/15), which is predicted to lead to a premature stop codon approximately 5 amino acids downstream. This variant is absent in gnomAD and ExAC, suggesting that it is not a common benign variant in the populations represented in these databases. The c.233dup (p.Leu78PhefsTer5) variant is absent from ClinVar and to our current knowledge has not been reported in affected individuals in the literature, however other nonsense and frameshift variants have been observed in individuals with Brunner syndrome [PMID: 8211186, PMID: 25807999], and mouse models also suggest loss of function to be the mechanism of pathogenicity [PMID: 7792602]. Given its deleterious nature and absence in population databases, the hemizygous c.233dup (p.Leu78PhefsTer5) variant identified is reported here as Likely Pathogenic.

NM_000240.4(MAOA):c.233dup (p.Leu78fs)

Gene: MAOA (monoamine oxidase A; plus strand). Cytogenetic location: Xp11.3.
Variant type: Duplication.
Coding change: c.233dup on transcript NM_000240.4 (MANE Select); coding-DNA position 233, one base duplicated (T; older notation c.233dupT).
Protein change: p.Leu78fs; shifts the reading frame from leucine 78.
Molecular consequence: frameshift variant. On other transcripts: 5 prime UTR variant (1).
Genome position (GRCh38, 1-based): chrX:43,693,355, T duplicated; the last of 2 consecutive T bases (chrX:43,693,354-43,693,355); duplicating either gives the same sequence. VCF-style (leftmost placement, unchanged base first): chrX-43693353-C-CT. GRCh37 (hg19) VCF-style: chrX-43552600-C-CT.
Other names: c.-167dup (NM_001270458.2); short protein forms L78fs.
Identifiers: ClinVar variation 992787 (VCV000992787.2), dbSNP rs2033551253, ClinGen allele CA1139667488.